The following is an entry in ClinVar:

ClinVar aggregate classification (germline): Uncertain significance (1 of 4 stars; one submission).

Submission:

Labcorp Genetics (formerly Invitae), Labcorp
Classification: Uncertain significance. Last evaluated: 2022-05-21. Review status: criteria provided, single submitter. Criteria: Invitae Variant Classification Sherloc (09022015). Collection method: clinical testing. Allele origin: germline.
Comment: This variant has not been reported in the literature in individuals affected with FH-related conditions. In summary, the available evidence is currently insufficient to determine the role of this variant in disease. Therefore, it has been classified as a Variant of Uncertain Significance. Advanced modeling of protein sequence and biophysical properties (such as structural, functional, and spatial information, amino acid conservation, physicochemical variation, residue mobility, and thermodynamic stability) performed at Invitae indicates that this missense variant is expected to disrupt FH protein function. This variant is not present in population databases (gnomAD no frequency). This sequence change replaces methionine, which is neutral and non-polar, with leucine, which is neutral and non-polar, at codon 388 of the FH protein (p.Met388Leu).

NM_000143.4(FH):c.1162A>T (p.Met388Leu)

Gene: FH (fumarate hydratase; minus strand). Cytogenetic location: 1q43.
Variant type: single nucleotide variant.
Coding change: c.1162A>T on transcript NM_000143.4 (MANE Select); coding-DNA position 1162, A replaced by T.
Protein change: p.Met388Leu; replaces methionine 388 with leucine.
Molecular consequence: missense variant.
Genome position (GRCh38, 1-based): chr1:241,502,517, T>A on the plus strand (A>T on the coding strand, the complement: FH is on the minus strand). VCF-style: chr1-241502517-T-A. GRCh37 (hg19) VCF-style: chr1-241665817-T-A.
Other names: short protein forms M388L.
Identifiers: ClinVar variation 2173361 (VCV002173361.4), dbSNP rs1573879331, ClinGen allele CA345437471.